The following is an entry in ClinVar:

ClinVar aggregate classification (germline): Pathogenic (1 of 4 stars; one submission).

Conditions:
Ehlers-Danlos syndrome, classic type, 1 (EDSCL1). Also called: Ehlers-Danlos syndrome, type 1; Ehlers-Danlos Syndrome, Classic Type, COL5A1-Related; EDS I; EHLERS-DANLOS SYNDROME, GRAVIS TYPE; EHLERS-DANLOS SYNDROME, SEVERE CLASSIC TYPE. Identifiers: MedGen C0268335, MONDO:0019567, OMIM 130000.

Submission:

Labcorp Genetics (formerly Invitae), Labcorp
Classification: Pathogenic for Ehlers-Danlos syndrome, classic type, 1. Last evaluated: 2019-01-05. Review status: criteria provided, single submitter. Criteria: Invitae Variant Classification Sherloc (09022015). Collection method: clinical testing. Allele origin: germline.
Comment: For these reasons, this variant has been classified as Pathogenic. Loss-of-function variants in COL5A1 are known to be pathogenic (PMID: 23587214). This variant has not been reported in the literature in individuals with COL5A1-related conditions. This variant is not present in population databases (ExAC no frequency). This sequence change creates a premature translational stop signal (p.Ser293Glnfs*30) in the COL5A1 gene. It is expected to result in an absent or disrupted protein product.

Literature cited by the submitters: PubMed 23587214.

NM_000093.5(COL5A1):c.876dup (p.Ser293fs)

Gene: COL5A1 (collagen type V alpha 1 chain; plus strand). Cytogenetic location: 9q34.3.
Variant type: Duplication.
Coding change: c.876dup on transcript NM_000093.5 (MANE Select); coding-DNA position 876, one base duplicated (C; older notation c.876dupC).
Protein change: p.Ser293fs; shifts the reading frame from serine 293.
Molecular consequence: frameshift variant.
Genome position (GRCh38, 1-based): chr9:134,728,759, C duplicated; the last of 5 consecutive C bases (chr9:134,728,755-134,728,759); duplicating any one gives the same sequence. VCF-style (leftmost placement, unchanged base first): chr9-134728754-A-AC. GRCh37 (hg19) VCF-style: chr9-137620600-A-AC.
Other names: c.876dup, p.Ser293fs (NM_001278074.1); short protein forms S293fs.
Identifiers: ClinVar variation 859807 (VCV000859807.9), dbSNP rs1834751333, ClinGen allele CA916083080.